The following is an entry in ClinVar:

NM_021954.4(GJA3):c.*2831A>G

Gene: GJA3 (gap junction protein alpha 3; minus strand). Cytogenetic location: 13q12.11.
Variant type: single nucleotide variant.
Coding change: c.*2831A>G on transcript NM_021954.4 (MANE Select); 2831 bases downstream of the stop codon, A replaced by G.
Molecular consequence: 3 prime UTR variant.
Genome position (GRCh38, 1-based): chr13:20,139,150, T>C on the plus strand (A>G on the coding strand, the complement: GJA3 is on the minus strand). VCF-style: chr13-20139150-T-C. GRCh37 (hg19) VCF-style: chr13-20713289-T-C.
Identifiers: ClinVar variation 311293 (VCV000311293.6), dbSNP rs529957247, ClinGen allele CA10643875.

ClinVar aggregate classification (germline): Benign. Review status: criteria provided, multiple submitters, no conflicts (2 of 4 stars). 2 submissions from 2 submitters: Benign (2). Last evaluated 2018-01-12.

Conditions:
Cataract 14 multiple types. Also called: CATARACT 14, ZONULAR PULVERULENT; CATARACT 14, NUCLEAR PULVERULENT; CATARACT 14, NUCLEAR PULVERULENT AND POSTERIOR POLAR; CATARACT 14, NUCLEAR CORALLIFORM; CATARACT 14, EMBRYONAL NUCLEAR; CATARACT 14, COPPOCK-LIKE. Identifiers: Orphanet 91492, MedGen C1866078, MONDO:0011162, OMIM 601885.

Allele frequency attached by ClinVar (database versions not stated): 1000 Genomes Project 0.00040; gnomAD 0.00062 and 0.00049; 1000 Genomes Project 30x 0.00047; TOPMed 0.00062.

Submissions (2):

Illumina Laboratory Services, Illumina
Classification: Benign for Cataract 14 multiple types. Last evaluated: 2018-01-12. Review status: criteria provided, single submitter. Criteria: ICSL Variant Classification Criteria 13 December 2019. Collection method: clinical testing. Allele origin: germline.
Comment: This variant was observed in the ICSL laboratory as part of a predisposition screen in an ostensibly healthy population. It had not been previously curated by ICSL or reported in the Human Gene Mutation Database (HGMD: prior to June 1st, 2018), and was therefore a candidate for classification through an automated scoring system. Utilizing variant allele frequency, disease prevalence and penetrance estimates, and inheritance mode, an automated score was calculated to assess if this variant is too frequent to cause the disease. Based on the score and internal cut-off values, a variant classified as benign is not then subjected to further curation. The score for this variant resulted in a classification of benign for this disease.

Breakthrough Genomics
Classification: Benign. Review status: criteria provided, single submitter. Criteria: ACMG Guidelines, 2015. Collection method: not provided. Allele origin: germline. Inheritance: Autosomal dominant inheritance. Affected: yes.